The following is an entry in ClinVar:

NM_001457.4(FLNB):c.4312C>T (p.Arg1438Cys)

Gene: FLNB (filamin B; plus strand). Cytogenetic location: 3p14.3.
Variant type: single nucleotide variant.
Coding change: c.4312C>T on transcript NM_001457.4 (MANE Select); coding-DNA position 4312, C replaced by T.
Protein change: p.Arg1438Cys; replaces arginine 1438 with cysteine.
Molecular consequence: missense variant.
Genome position (GRCh38, 1-based): chr3:58,130,830, C>T. VCF-style: chr3-58130830-C-T. GRCh37 (hg19) VCF-style: chr3-58116557-C-T.
Other names: c.4312C>T, p.Arg1438Cys (NM_001164317.2, NM_001164318.2, NM_001164319.2); short protein forms R1438C.
Identifiers: ClinVar variation 2636101 (VCV002636101.5), dbSNP rs1376465311, ClinGen allele CA353350775.

ClinVar aggregate classification (germline): Uncertain significance. Review status: criteria provided, multiple submitters, no conflicts (2 of 4 stars). 3 submissions from 3 submitters: Uncertain significance (3). Last evaluated 2024-02-19.

Conditions:
FLNB-related disorder. Also called: FLNB-related condition; FLNB-related disorders. Identifiers: MedGen CN381095.

Allele frequency attached by ClinVar (database versions not stated): TOPMed 0.00001; gnomAD exomes 0.00002; gnomAD 0.00004.
gnomAD v4.1: 30 of 1,613,510 alleles (0.0019%); highest among the groups gnomAD compares: African/African-American, 0.0027%; no homozygotes.

Submissions (3):

Labcorp Genetics (formerly Invitae), Labcorp
Classification: Uncertain significance. Last evaluated: 2024-02-19. Review status: criteria provided, single submitter. Criteria: Invitae Variant Classification Sherloc (09022015). Collection method: clinical testing. Allele origin: germline.
Comment: This sequence change replaces arginine, which is basic and polar, with cysteine, which is neutral and slightly polar, at codon 1438 of the FLNB protein (p.Arg1438Cys). The frequency data for this variant in the population databases is considered unreliable, as metrics indicate poor data quality at this position in the gnomAD database. This missense change has been observed in individual(s) with FLNB-related conditions (PMID: 34491919). ClinVar contains an entry for this variant (Variation ID: 2636101). Advanced modeling of protein sequence and biophysical properties (such as structural, functional, and spatial information, amino acid conservation, physicochemical variation, residue mobility, and thermodynamic stability) performed at Invitae indicates that this missense variant is not expected to disrupt FLNB protein function with a negative predictive value of 95%. In summary, the available evidence is currently insufficient to determine the role of this variant in disease. Therefore, it has been classified as a Variant of Uncertain Significance.

PreventionGenetics, part of Exact Sciences
Classification: Uncertain significance for FLNB-related condition. Last evaluated: 2023-08-21. Review status: criteria provided, single submitter. Criteria: ACMG Guidelines, 2015. Collection method: clinical testing. Allele origin: germline.
Comment: The FLNB c.4312C>T variant is predicted to result in the amino acid substitution p.Arg1438Cys. To our knowledge, this variant has not been reported in the literature. This variant is reported in 0.0047% of alleles in individuals of European (Non-Finnish) descent in gnomAD. At this time, the clinical significance of this variant is uncertain due to the absence of conclusive functional and genetic evidence.

Blueprint Genetics
Classification: Uncertain significance. Last evaluated: 2021-12-07. Review status: criteria provided, single submitter. Criteria: ACMG Guidelines, 2015. Collection method: clinical testing. Allele origin: germline.

Literature cited by the submitters: PubMed 34491919 (cited by Labcorp Genetics (formerly Invitae), Labcorp).